The following is an entry in ClinVar:

NM_052867.4(NALCN):c.1197C>G (p.Ile399Met)

Genes: NALCN (sodium leak channel, non-selective; minus strand), LOC126861831 (P300/CBP strongly-dependent group 1 enhancer GRCh37_chr13:101909917-101911116; plus strand). Cytogenetic location: 13q33.1.
Variant type: single nucleotide variant.
Coding change: c.1197C>G on transcript NM_052867.4 (MANE Select); coding-DNA position 1197, C replaced by G.
Protein change: p.Ile399Met; replaces isoleucine 399 with methionine.
Molecular consequence: missense variant.
Genome position (GRCh38, 1-based): chr13:101,258,512, G>C on the plus strand (C>G on the coding strand, the complement: NALCN is on the minus strand). VCF-style: chr13-101258512-G-C. GRCh37 (hg19) VCF-style: chr13-101910863-G-C.
Other names: c.1197C>G, p.Ile399Met (NM_001350748.2, NM_001350749.2); c.1110C>G, p.Ile370Met (NM_001350750.2, NM_001350751.2); short protein forms I370M, I399M.
Identifiers: ClinVar variation 1203078 (VCV001203078.6), dbSNP rs966445280, ClinGen allele CA388703841.
Genomic context (GRCh38, chr13:101,258,512, plus strand): 5'-GTAGAACTCGTCGTACTGCCTCCTGAAGTTTTCTCCTTTGTAGTAGTTGCTAGCCGCCAC[G>C]ATCACGTCCACGGTCACCATGCTCAGGATGAACATGTGGAAAACGGATGACCGCATCATT-3'
Protein context (NP_443099.1, residues 389-409): FILSMVTVDV[Ile399Met]VAASNYYKGE

ClinVar aggregate classification (germline): Uncertain significance. Review status: criteria provided, multiple submitters, no conflicts (2 of 4 stars). 2 submissions from 2 submitters: Uncertain significance (2). Last evaluated 2023-06-07.

Conditions:
Inborn genetic diseases. Identifiers: MedGen C0950123, MeSH D030342.

gnomAD v4.1: 28 of 1,614,118 alleles (0.0017%); highest among the groups gnomAD compares: Non-Finnish European, 0.0022%; no homozygotes.

Submissions (2):

GeneDx
Classification: Uncertain significance. Last evaluated: 2023-06-07. Review status: criteria provided, single submitter. Criteria: GeneDx Variant Classification Process June 2021. Collection method: clinical testing. Allele origin: germline. Affected: yes.
Comment: In silico analysis supports that this missense variant does not alter protein structure/function; Has not been previously published as pathogenic or benign to our knowledge

Ambry Genetics
Classification: Uncertain significance for Inborn genetic diseases. Last evaluated: 2023-01-20. Review status: criteria provided, single submitter. Criteria: Ambry Variant Classification Scheme 2023. Collection method: clinical testing. Allele origin: germline.